The following is an entry in ClinVar:

NM_001365536.1(SCN9A):c.467+6T>C

Gene: SCN9A (sodium voltage-gated channel alpha subunit 9; minus strand). Cytogenetic location: 2q24.3.
Variant type: single nucleotide variant.
Coding change: c.467+6T>C on transcript NM_001365536.1 (MANE Select); 6 bases into the intron after coding-DNA position 467, T replaced by C.
Molecular consequence: intron variant.
Genome position (GRCh38, 1-based): chr2:166,306,504, A>G on the plus strand (T>C on the coding strand, the complement: SCN9A is on the minus strand). VCF-style: chr2-166306504-A-G. GRCh37 (hg19) VCF-style: chr2-167163014-A-G.
Other names: c.467+6T>C (NM_002977.4).
Identifiers: ClinVar variation 1022096 (VCV001022096.7), dbSNP rs1366570582, ClinGen allele CA537528409.

ClinVar aggregate classification (germline): Uncertain significance (1 of 4 stars; one submission).

Conditions:
Neuropathy, hereditary sensory and autonomic, type 2A (HSAN2A). Also called: HSAN IIA; MORVAN DISEASE; NEUROPATHY, CONGENITAL SENSORY; NEUROPATHY, HEREDITARY SENSORY RADICULAR, AUTOSOMAL RECESSIVE; NEUROPATHY, HEREDITARY SENSORY, TYPE IIA; NEUROPATHY, PROGRESSIVE SENSORY, OF CHILDREN. Identifiers: Orphanet 970, MedGen C2752089, MONDO:0024309, OMIM 201300.
Generalized epilepsy with febrile seizures plus, type 7 (GEFSP7). Also called: GEFS+, TYPE 7. Identifiers: Orphanet 36387, MedGen C2751778, MONDO:0013470, OMIM 613863.

Allele frequency attached by ClinVar (database versions not stated): TOPMed 0.00001.
gnomAD v4.1: 6 of 1,470,204 alleles (0.00041%); highest among the groups gnomAD compares: Admixed American, 0.011%; no homozygotes.

Submission:

Labcorp Genetics (formerly Invitae), Labcorp
Classification: Uncertain significance for Neuropathy, hereditary sensory and autonomic, type 2A; Generalized epilepsy with febrile seizures plus, type 7. Last evaluated: 2025-09-14. Review status: criteria provided, single submitter. Criteria: Invitae Variant Classification Sherloc (09022015). Collection method: clinical testing. Allele origin: germline.
Comment: This sequence change falls in intron 4 of the SCN9A gene. It does not directly change the encoded amino acid sequence of the SCN9A protein. It affects a nucleotide within the consensus splice site. This variant is present in population databases (no rsID available, gnomAD 0.01%). This variant has not been reported in the literature in individuals affected with SCN9A-related conditions. ClinVar contains an entry for this variant (Variation ID: 1022096). Variants that disrupt the consensus splice site are a relatively common cause of aberrant splicing (PMID: 17576681, 9536098). Algorithms developed to predict the effect of sequence changes on RNA splicing suggest that this variant may disrupt the consensus splice site. In summary, the available evidence is currently insufficient to determine the role of this variant in disease. Therefore, it has been classified as a Variant of Uncertain Significance.

Literature cited by the submitters: PubMed 17576681; PubMed 9536098.